The following is an entry in ClinVar:

NM_000384.3(APOB):c.6866T>C (p.Ile2289Thr)

Gene: APOB (apolipoprotein B; minus strand). Cytogenetic location: 2p24.1.
Variant type: single nucleotide variant.
Coding change: c.6866T>C on transcript NM_000384.3 (MANE Select); coding-DNA position 6866, T replaced by C.
Protein change: p.Ile2289Thr; replaces isoleucine 2289 with threonine.
Molecular consequence: missense variant.
Genome position (GRCh38, 1-based): chr2:21,010,002, A>G on the plus strand (T>C on the coding strand, the complement: APOB is on the minus strand). VCF-style: chr2-21010002-A-G. GRCh37 (hg19) VCF-style: chr2-21232874-A-G.
Other names: short protein forms I2289T.
Identifiers: ClinVar variation 4124988 (VCV004124988.1).

ClinVar aggregate classification (germline): Uncertain significance (1 of 4 stars; one submission).

Conditions:
Cardiovascular phenotype. Identifiers: MedGen CN230736.

Submission:

Ambry Genetics
Classification: Uncertain significance for Cardiovascular phenotype. Last evaluated: 2025-07-09. Review status: criteria provided, single submitter. Criteria: Ambry Variant Classification Scheme 2023. Collection method: clinical testing. Allele origin: germline.
Comment: The p.I2289T variant (also known as c.6866T>C), located in coding exon 26 of the APOB gene, results from a T to C substitution at nucleotide position 6866. The isoleucine at codon 2289 is replaced by threonine, an amino acid with similar properties. This amino acid position is conserved. In addition, this alteration is predicted to be tolerated by in silico analysis. Based on the available evidence, the clinical significance of this variant remains unclear.